The following is an entry in ClinVar:

NM_144997.7(FLCN):c.221C>G (p.Pro74Arg)

Gene: FLCN (folliculin; minus strand). Cytogenetic location: 17p11.2.
Variant type: single nucleotide variant.
Coding change: c.221C>G on transcript NM_144997.7 (MANE Select); coding-DNA position 221, C replaced by G.
Protein change: p.Pro74Arg; replaces proline 74 with arginine.
Molecular consequence: missense variant.
Genome position (GRCh38, 1-based): chr17:17,227,917, G>C on the plus strand (C>G on the coding strand, the complement: FLCN is on the minus strand). VCF-style: chr17-17227917-G-C. GRCh37 (hg19) VCF-style: chr17-17131231-G-C.
Other names: c.221C>G, p.Pro74Arg (NM_001353229.2, NM_001353230.2, NM_001353231.2 and 1 more transcripts); short protein forms P74R.
Identifiers: ClinVar variation 1369394 (VCV001369394.3), dbSNP rs773648142, ClinGen allele CA398535071.

ClinVar aggregate classification (germline): Uncertain significance (1 of 4 stars; one submission).

Conditions:
Birt-Hogg-Dube syndrome. Also called: Birt Hogg Dubé syndrome. Identifiers: Orphanet 122, MedGen C0346010, MONDO:0800444.

Submission:

Labcorp Genetics (formerly Invitae), Labcorp
Classification: Uncertain significance for Birt-Hogg-Dube syndrome. Last evaluated: 2022-03-04. Review status: criteria provided, single submitter. Criteria: Invitae Variant Classification Sherloc (09022015). Collection method: clinical testing. Allele origin: germline.
Comment: This sequence change replaces proline, which is neutral and non-polar, with arginine, which is basic and polar, at codon 74 of the FLCN protein (p.Pro74Arg). This variant is not present in population databases (gnomAD no frequency). This variant has not been reported in the literature in individuals affected with FLCN-related conditions. Algorithms developed to predict the effect of missense changes on protein structure and function (SIFT, PolyPhen-2, Align-GVGD) all suggest that this variant is likely to be tolerated. In summary, the available evidence is currently insufficient to determine the role of this variant in disease. Therefore, it has been classified as a Variant of Uncertain Significance.